The following is an entry in ClinVar:

NM_003954.5(MAP3K14):c.1657+5G>C

Gene: MAP3K14 (mitogen-activated protein kinase kinase kinase 14; minus strand). Cytogenetic location: 17q21.31.
Variant type: single nucleotide variant.
Coding change: c.1657+5G>C on transcript NM_003954.5 (MANE Select); 5 bases into the intron after coding-DNA position 1657, G replaced by C.
Molecular consequence: intron variant.
Genome position (GRCh38, 1-based): chr17:45,273,498, C>G on the plus strand (G>C on the coding strand, the complement: MAP3K14 is on the minus strand). VCF-style: chr17-45273498-C-G. GRCh37 (hg19) VCF-style: chr17-43350865-C-G.
Identifiers: ClinVar variation 1380416 (VCV001380416.6), dbSNP rs2143789397, ClinGen allele CA2573153959.
Genomic context (GRCh38, chr17:45,273,498, plus strand): 5'-AAAGCATGGAAGGCATTTGGCGAATGAATGCATTGGGGGGCACGGCAGTTGGTGGGGGGC[C>G]TTACCTGTGAGCAAGGACTTTCCCAGGCCATCAGGTTGAAGACACACAGCATGGCCAAAG-3'

ClinVar aggregate classification (germline): Uncertain significance (1 of 4 stars; one submission).

Conditions:
NIK deficiency. Also called: Primary immunodeficiency with multifaceted aberrant lymphoid immunity. Identifiers: Orphanet 447731, MedGen C5680065, MONDO:0018642.

Submission:

Labcorp Genetics (formerly Invitae), Labcorp
Classification: Uncertain significance for NIK deficiency. Last evaluated: 2024-11-04. Review status: criteria provided, single submitter. Criteria: Invitae Variant Classification Sherloc (09022015). Collection method: clinical testing. Allele origin: germline.
Comment: This sequence change falls in intron 9 of the MAP3K14 gene. It does not directly change the encoded amino acid sequence of the MAP3K14 protein. It affects a nucleotide within the consensus splice site. This variant is not present in population databases (gnomAD no frequency). This variant has not been reported in the literature in individuals affected with MAP3K14-related conditions. ClinVar contains an entry for this variant (Variation ID: 1380416). Variants that disrupt the consensus splice site are a relatively common cause of aberrant splicing (PMID: 17576681, 9536098). Algorithms developed to predict the effect of sequence changes on RNA splicing suggest that this variant is not likely to affect RNA splicing. In summary, the available evidence is currently insufficient to determine the role of this variant in disease. Therefore, it has been classified as a Variant of Uncertain Significance.

Literature cited by the submitters: PubMed 17576681; PubMed 9536098.